The following is an entry in ClinVar:

NM_206933.4(USH2A):c.14534C>T (p.Ala4845Val)

Gene: USH2A (usherin; minus strand). Cytogenetic location: 1q41.
Variant type: single nucleotide variant.
Coding change: c.14534C>T on transcript NM_206933.4 (MANE Select); coding-DNA position 14534, C replaced by T.
Protein change: p.Ala4845Val; replaces alanine 4845 with valine.
Molecular consequence: missense variant.
Genome position (GRCh38, 1-based): chr1:215,648,576, G>A on the plus strand (C>T on the coding strand, the complement: USH2A is on the minus strand). VCF-style: chr1-215648576-G-A. GRCh37 (hg19) VCF-style: chr1-215821918-G-A.
Other names: short protein forms A4845V.
Identifiers: ClinVar variation 1351925 (VCV001351925.4), dbSNP rs1305482689, ClinGen allele CA344833299.

ClinVar aggregate classification (germline): Uncertain significance (1 of 4 stars; one submission).

Allele frequency attached by ClinVar (database versions not stated): gnomAD exomes below 0.00001; gnomAD 0.00001; TOPMed 0.00001.
gnomAD v4.1: 3 of 1,614,068 alleles (0.00019%); highest among the groups gnomAD compares: African/African-American, 0.004%; no homozygotes.

Submission:

Labcorp Genetics (formerly Invitae), Labcorp
Classification: Uncertain significance. Last evaluated: 2024-10-21. Review status: criteria provided, single submitter. Criteria: Invitae Variant Classification Sherloc (09022015). Collection method: clinical testing. Allele origin: germline.
Comment: This sequence change replaces alanine, which is neutral and non-polar, with valine, which is neutral and non-polar, at codon 4845 of the USH2A protein (p.Ala4845Val). This variant is present in population databases (no rsID available, gnomAD 0.01%). This variant has not been reported in the literature in individuals affected with USH2A-related conditions. ClinVar contains an entry for this variant (Variation ID: 1351925). Invitae Evidence Modeling of protein sequence and biophysical properties (such as structural, functional, and spatial information, amino acid conservation, physicochemical variation, residue mobility, and thermodynamic stability) indicates that this missense variant is not expected to disrupt USH2A protein function with a negative predictive value of 95%. In summary, the available evidence is currently insufficient to determine the role of this variant in disease. Therefore, it has been classified as a Variant of Uncertain Significance.